The following is an entry in ClinVar:

ClinVar aggregate classification (germline): Likely pathogenic (1 of 4 stars; one submission).

Conditions:
Spinocerebellar ataxia, autosomal recessive 28. Identifiers: MedGen C5394101, MONDO:0032923, OMIM 618800.

Submission:

First Genomix Gene Laboratory, Genetic Diagnostics Department
Classification: Likely pathogenic for Spinocerebellar ataxia, autosomal recessive 28. Last evaluated: 2025-06-17. Review status: criteria provided, single submitter. Criteria: ACMG Guidelines, 2015. Collection method: clinical testing. Allele origin: germline. Inheritance: Autosomal recessive inheritance. Affected: no. Observed: 1 variant allele.

NM_017872.5(THG1L):c.369-2A>G

Gene: THG1L (tRNA-histidine guanylyltransferase 1 like; plus strand). Cytogenetic location: 5q33.3.
Variant type: single nucleotide variant.
Coding change: c.369-2A>G on transcript NM_017872.5 (MANE Select); the canonical splice acceptor site of the intron before coding-DNA position 369, A replaced by G.
Molecular consequence: splice acceptor variant. On other transcripts: intron variant (2).
Genome position (GRCh38, 1-based): chr5:157,734,574, A>G. VCF-style: chr5-157734574-A-G. GRCh37 (hg19) VCF-style: chr5-157161582-A-G.
Other names: c.-3-6A>G (NM_001317825.2); c.68-97A>G (NM_001317824.2); c.183-2A>G (NM_001317826.2).
Identifiers: ClinVar variation 4849402 (VCV004849402.1).